The following is an entry in ClinVar:

NM_021964.3(ZNF148):c.628C>T (p.Gln210Ter)

Gene: ZNF148 (zinc finger protein 148; minus strand). Cytogenetic location: 3q21.2.
Variant type: single nucleotide variant.
Coding change: c.628C>T on transcript NM_021964.3 (MANE Select); coding-DNA position 628, C replaced by T.
Protein change: p.Gln210Ter; replaces glutamine 210 with a stop codon.
Molecular consequence: nonsense.
Genome position (GRCh38, 1-based): chr3:125,277,765, G>A on the plus strand (C>T on the coding strand, the complement: ZNF148 is on the minus strand). VCF-style: chr3-125277765-G-A. GRCh37 (hg19) VCF-style: chr3-124996609-G-A.
Other names: c.628C>T, p.Gln210Ter (NM_001348424.1, NM_001348425.2, NM_001348426.2 and 8 more transcripts); c.502C>T, p.Gln168Ter (NM_001348434.2); short protein forms Q168*, Q210*.
Identifiers: ClinVar variation 4680965 (VCV004680965.1).

ClinVar aggregate classification (germline): Uncertain significance (1 of 4 stars; one submission).

Submission:

GeneDx
Classification: Uncertain significance. Last evaluated: 2025-06-25. Review status: criteria provided, single submitter. Criteria: GeneDx Variant Classification Process June 2021. Collection method: clinical testing. Allele origin: germline. Affected: yes.
Comment: Not observed at significant frequency in large population cohorts (gnomAD); Nonsense variant predicted to result in protein truncation or nonsense mediated decay in a gene or region of a gene for which loss of function is not a well-established mechanism of disease; Has not been previously published as pathogenic or benign to our knowledge